The following is an entry in ClinVar:

NM_002473.6(MYH9):c.2255A>G (p.Asn752Ser)

Gene: MYH9 (myosin heavy chain 9; minus strand). Cytogenetic location: 22q12.3.
Variant type: single nucleotide variant.
Coding change: c.2255A>G on transcript NM_002473.6 (MANE Select); coding-DNA position 2255, A replaced by G.
Protein change: p.Asn752Ser; replaces asparagine 752 with serine.
Molecular consequence: missense variant.
Genome position (GRCh38, 1-based): chr22:36,304,130, T>C on the plus strand (A>G on the coding strand, the complement: MYH9 is on the minus strand). VCF-style: chr22-36304130-T-C. GRCh37 (hg19) VCF-style: chr22-36700176-T-C.
Other names: short protein forms N752S.
Identifiers: ClinVar variation 3355175 (VCV003355175.1).
Genomic context (GRCh38, chr22:36,304,130, plus strand): 5'-TCCAGGTGGGCCAGCACACCGGCACGGAAGAAGACTTTGCTCTGGCCAATGCGGTACAGA[T>C]TGCTGTCGAGCTCCAGGGCTTTTATCTAGGTGGGAGGAGCAGGCCGTTTACCTGGCCAGC-3'
Protein context (NP_002464.1, residues 742-762): LMIKALELDS[Asn752Ser]LYRIGQSKVF

ClinVar aggregate classification (germline): Uncertain significance (0 of 4 stars; one submission).

Conditions:
MYH9-related disorder. Identifiers: MedGen C1854520.

Submission:

PreventionGenetics, part of Exact Sciences
Classification: Uncertain significance for MYH9-related condition. Last evaluated: 2024-08-21. Review status: no assertion criteria provided. Collection method: clinical testing. Allele origin: germline.
Comment: The MYH9 c.2255A>G variant is predicted to result in the amino acid substitution p.Asn752Ser. To our knowledge, this variant has not been reported in the literature or in a large population database, indicating this variant is rare. At this time, the clinical significance of this variant is uncertain due to the absence of conclusive functional and genetic evidence.